The following is an entry in ClinVar:

NM_015378.4(VPS13D):c.3583A>G (p.Thr1195Ala)

Gene: VPS13D (vacuolar protein sorting 13 homolog D; plus strand). Cytogenetic location: 1p36.22.
Variant type: single nucleotide variant.
Coding change: c.3583A>G on transcript NM_015378.4 (MANE Select); coding-DNA position 3583, A replaced by G.
Protein change: p.Thr1195Ala; replaces threonine 1195 with alanine.
Molecular consequence: missense variant.
Genome position (GRCh38, 1-based): chr1:12,277,171, A>G. VCF-style: chr1-12277171-A-G. GRCh37 (hg19) VCF-style: chr1-12337228-A-G.
Other names: c.3583A>G, p.Thr1195Ala (NM_018156.4); short protein forms T1195A.
Identifiers: ClinVar variation 3360733 (VCV003360733.1).

ClinVar aggregate classification (germline): Uncertain significance (1 of 4 stars; one submission).

gnomAD v4.1: 3 of 1,614,122 alleles (0.00019%); highest among the groups gnomAD compares: African/African-American, 0.0027%; no homozygotes.

Submission:

GeneDx
Classification: Uncertain significance. Last evaluated: 2023-07-04. Review status: criteria provided, single submitter. Criteria: GeneDx Variant Classification Process June 2021. Collection method: clinical testing. Allele origin: germline. Affected: yes.
Comment: Not observed at significant frequency in large population cohorts (gnomAD); In silico analysis supports that this missense variant has a deleterious effect on protein structure/function; Has not been previously published as pathogenic or benign to our knowledge